The following is an entry in ClinVar:

NM_206933.4(USH2A):c.14110_14111insA (p.Pro4704fs)

Gene: USH2A (usherin; minus strand). Cytogenetic location: 1q41.
Variant type: Insertion.
Coding change: c.14110_14111insA on transcript NM_206933.4 (MANE Select); coding-DNA positions 14110 to 14111, A inserted.
Protein change: p.Pro4704fs; shifts the reading frame from proline 4704.
Molecular consequence: frameshift variant.
Genome position: GRCh38 VCF-style: chr1-215670994-G-GT. GRCh37 (hg19) VCF-style: chr1-215844336-G-GT.
Other names: short protein forms P4704fs.
Identifiers: ClinVar variation 1457881 (VCV001457881.7), dbSNP rs2102661164, ClinGen allele CA2573131545.

ClinVar aggregate classification (germline): Pathogenic. Review status: criteria provided, multiple submitters, no conflicts (2 of 4 stars). 2 submissions from 2 submitters: Pathogenic (2). Last evaluated 2025-02-03.

Conditions:
USH2A-related disorder. Also called: USH2A-related condition; USH2A-related disorders. Identifiers: MedGen CN239332.

Submissions (2):

Myriad Genetics, Inc.
Classification: Pathogenic for USH2A-related disorder. Last evaluated: 2025-02-03. Review status: criteria provided, single submitter. Criteria: Myriad Autosomal Dominant, Autosomal Recessive and X-Linked Classification Criteria (2023). Collection method: clinical testing. Allele origin: unknown.
Comment: NM_206933.2(USH2A):c.14110_14111insA(P4704Hfs*6) is a frameshift variant classified as pathogenic in the context of USH2A-related disorders. P4704Hfs*6 has been observed in a case with relevant disease (PMID: 17085681). Relevant functional assessments of this variant are not available in the literature. P4704Hfs*6 has not been observed in referenced population frequency databases. In summary, NM_206933.2(USH2A):c.14110_14111insA(P4704Hfs*6) is a frameshift variant in a gene where loss of function is a known mechanism of disease, is predicted to disrupt protein function, and has been observed more frequently in cases with the relevant disease than in healthy populations. Please note: this variant was assessed in the context of healthy population screening.

Labcorp Genetics (formerly Invitae), Labcorp
Classification: Pathogenic. Last evaluated: 2021-10-08. Review status: criteria provided, single submitter. Criteria: Invitae Variant Classification Sherloc (09022015). Collection method: clinical testing. Allele origin: germline.
Comment: This sequence change creates a premature translational stop signal (p.Pro4704Hisfs*6) in the USH2A gene. It is expected to result in an absent or disrupted protein product. Loss-of-function variants in USH2A are known to be pathogenic (PMID: 10729113, 10909849, 20507924, 25649381). This variant is not present in population databases (ExAC no frequency). This premature translational stop signal has been observed in individual(s) with Usher syndrome (PMID: 17085681). For these reasons, this variant has been classified as Pathogenic.

Literature cited by the submitters: PubMed 17085681 (cited by Myriad Genetics, Inc. and Labcorp Genetics (formerly Invitae), Labcorp); PubMed 10729113 (cited by Labcorp Genetics (formerly Invitae), Labcorp); PubMed 10909849 (cited by Labcorp Genetics (formerly Invitae), Labcorp); PubMed 20507924 (cited by Labcorp Genetics (formerly Invitae), Labcorp); PubMed 25649381 (cited by Labcorp Genetics (formerly Invitae), Labcorp).